The following is an entry in ClinVar:

ClinVar aggregate classification (germline): Uncertain significance. Review status: criteria provided, multiple submitters, no conflicts (2 of 4 stars). 2 submissions from 2 submitters: Uncertain significance (2). Last evaluated 2025-08-28.

Conditions:
Inborn genetic diseases. Identifiers: MedGen C0950123, MeSH D030342.

Allele frequency attached by ClinVar (database versions not stated): TOPMed 0.00001.
gnomAD v4.1: 26 of 1,609,034 alleles (0.0016%); highest among the groups gnomAD compares: Middle Eastern, 0.017%; no homozygotes.

Submissions (2):

Ambry Genetics
Classification: Uncertain significance for Inborn genetic diseases. Last evaluated: 2025-08-28. Review status: criteria provided, single submitter. Criteria: Ambry Variant Classification Scheme 2023. Collection method: clinical testing. Allele origin: germline.

Labcorp Genetics (formerly Invitae), Labcorp
Classification: Uncertain significance. Last evaluated: 2021-11-04. Review status: criteria provided, single submitter. Criteria: Invitae Variant Classification Sherloc (09022015). Collection method: clinical testing. Allele origin: germline.
Comment: This sequence change replaces glycine, which is neutral and non-polar, with serine, which is neutral and polar, at codon 366 of the SLC22A12 protein (p.Gly366Ser). This variant is present in population databases (no rsID available, gnomAD 0.007%). This variant has not been reported in the literature in individuals affected with SLC22A12-related conditions. Algorithms developed to predict the effect of missense changes on protein structure and function (SIFT, PolyPhen-2, Align-GVGD) all suggest that this variant is likely to be disruptive. Algorithms developed to predict the effect of sequence changes on RNA splicing suggest that this variant may create or strengthen a splice site. In summary, the available evidence is currently insufficient to determine the role of this variant in disease. Therefore, it has been classified as a Variant of Uncertain Significance.

NM_144585.4(SLC22A12):c.1096G>A (p.Gly366Ser)

Gene: SLC22A12 (solute carrier family 22 member 12; plus strand). Cytogenetic location: 11q13.1.
Variant type: single nucleotide variant.
Coding change: c.1096G>A on transcript NM_144585.4 (MANE Select); coding-DNA position 1096, G replaced by A.
Protein change: p.Gly366Ser; replaces glycine 366 with serine.
Molecular consequence: missense variant.
Genome position (GRCh38, 1-based): chr11:64,599,701, G>A. VCF-style: chr11-64599701-G-A. GRCh37 (hg19) VCF-style: chr11-64367173-G-A.
Other names: c.994G>A, p.Gly332Ser (NM_001276326.2); c.772G>A, p.Gly258Ser (NM_001276327.2); c.433G>A, p.Gly145Ser (NM_153378.3); c.1096G>A (NM_144585.2); short protein forms G258S, G332S, G366S, G145S.
Identifiers: ClinVar variation 1403071 (VCV001403071.9), dbSNP rs1047976958, ClinGen allele CA381128713.